The following is an entry in ClinVar:

ClinVar aggregate classification (germline): Uncertain significance (1 of 4 stars; one submission).

Submission:

Labcorp Genetics (formerly Invitae), Labcorp
Classification: Uncertain significance. Last evaluated: 2025-08-14. Review status: criteria provided, single submitter. Criteria: Invitae Variant Classification Sherloc (09022015). Collection method: clinical testing. Allele origin: germline.
Comment: This sequence change replaces cysteine, which is neutral and slightly polar, with tyrosine, which is neutral and polar, at codon 1455 of the CACNA1D protein (p.Cys1455Tyr). This variant is not present in population databases (gnomAD no frequency). This variant has not been reported in the literature in individuals affected with CACNA1D-related conditions. Invitae Evidence Modeling of protein sequence and biophysical properties (such as structural, functional, and spatial information, amino acid conservation, physicochemical variation, residue mobility, and thermodynamic stability) indicates that this missense variant is expected to disrupt CACNA1D protein function with a positive predictive value of 80%. In summary, the available evidence is currently insufficient to determine the role of this variant in disease. Therefore, it has been classified as a Variant of Uncertain Significance.

NM_001128840.3(CACNA1D):c.4304G>A (p.Cys1435Tyr)

Gene: CACNA1D (calcium voltage-gated channel subunit alpha1 D; plus strand). Cytogenetic location: 3p21.1.
Variant type: single nucleotide variant.
Coding change: c.4304G>A on transcript NM_001128840.3 (MANE Select); coding-DNA position 4304, G replaced by A.
Protein change: p.Cys1435Tyr; replaces cysteine 1435 with tyrosine.
Molecular consequence: missense variant.
Genome position (GRCh38, 1-based): chr3:53,775,987, G>A. VCF-style: chr3-53775987-G-A. GRCh37 (hg19) VCF-style: chr3-53810014-G-A.
Other names: c.4364G>A, p.Cys1455Tyr (NM_000720.4); c.4259G>A, p.Cys1420Tyr (NM_001128839.3); short protein forms C1420Y, C1435Y, C1455Y.
Identifiers: ClinVar variation 4807606 (VCV004807606.1).